The following is an entry in ClinVar:

NM_004960.4(FUS):c.1566G>C (p.Arg522Ser)

Gene: FUS (FUS RNA binding protein; plus strand). Cytogenetic location: 16p11.2.
Variant type: single nucleotide variant.
Coding change: c.1566G>C on transcript NM_004960.4 (MANE Select); coding-DNA position 1566, G replaced by C.
Protein change: p.Arg522Ser; replaces arginine 522 with serine.
Molecular consequence: missense variant. On other transcripts: non-coding transcript variant (1).
Genome position (GRCh38, 1-based): chr16:31,191,423, G>C. VCF-style: chr16-31191423-G-C. GRCh37 (hg19) VCF-style: chr16-31202744-G-C.
Other names: c.1563G>C, p.Arg521Ser (NM_001170634.1); c.1554G>C, p.Arg518Ser (NM_001170937.1); short protein forms R518S, R521S, R522S.
Identifiers: ClinVar variation 2018615 (VCV002018615.4), dbSNP rs138901914, ClinGen allele CA395677477.

ClinVar aggregate classification (germline): Uncertain significance (1 of 4 stars; one submission).

Conditions:
Tremor, hereditary essential, 4 (ETM4). Identifiers: MedGen C3539195, MONDO:0013888, OMIM 614782.
Amyotrophic lateral sclerosis type 6. Also called: AMYOTROPHIC LATERAL SCLEROSIS 6 WITHOUT FRONTOTEMPORAL DEMENTIA; FUS-Related Amyotrophic Laterial Sclerosis; Amyotrophic lateral sclerosis 6, with or without frontotemporal dementia. Identifiers: Orphanet 275872, Orphanet 803, MedGen C2931786, MONDO:0011951, OMIM 608030.

Submission:

Labcorp Genetics (formerly Invitae), Labcorp
Classification: Uncertain significance for Tremor, hereditary essential, 4; Amyotrophic lateral sclerosis type 6. Last evaluated: 2021-12-01. Review status: criteria provided, single submitter. Criteria: Invitae Variant Classification Sherloc (09022015). Collection method: clinical testing. Allele origin: germline.
Comment: This sequence change replaces arginine, which is basic and polar, with serine, which is neutral and polar, at codon 522 of the FUS protein (p.Arg522Ser). This variant is not present in population databases (gnomAD no frequency). This variant has not been reported in the literature in individuals affected with FUS-related conditions. Algorithms developed to predict the effect of missense changes on protein structure and function are either unavailable or do not agree on the potential impact of this missense change (SIFT: "Tolerated"; PolyPhen-2: "Possibly Damaging"; Align-GVGD: "Class C15"). In summary, the available evidence is currently insufficient to determine the role of this variant in disease. Therefore, it has been classified as a Variant of Uncertain Significance.